The following is an entry in ClinVar:

NM_014275.5(MGAT4B):c.284A>G (p.Glu95Gly)

Gene: MGAT4B (alpha-1,3-mannosyl-glycoprotein 4-beta-N-acetylglucosaminyltransferase B; minus strand). Cytogenetic location: 5q35.3.
Variant type: single nucleotide variant.
Coding change: c.284A>G on transcript NM_014275.5 (MANE Select); coding-DNA position 284, A replaced by G.
Protein change: p.Glu95Gly; replaces glutamic acid 95 with glycine.
Molecular consequence: missense variant.
Genome position (GRCh38, 1-based): chr5:179,801,694, T>C on the plus strand (A>G on the coding strand, the complement: MGAT4B is on the minus strand). VCF-style: chr5-179801694-T-C. GRCh37 (hg19) VCF-style: chr5-179228694-T-C.
Other names: c.329A>G, p.Glu110Gly (NM_054013.3); short protein forms E110G, E95G.
Identifiers: ClinVar variation 4083563 (VCV004083563.8).
Genomic context (GRCh38, chr5:179,801,694, plus strand): 5'-ACGGTGGGCAGGTGCAGCACGTGCCGGTGTGAGCCGTTCCACGGCTTCAATCGGGGGTCC[T>C]CTGGGTGGGTCGGGAAGGATCGGGACTGAGACCAGGGAACCTACAACCAGCCCGCCCCCG-3'
Protein context (NP_055090.1, residues 85-105): DGNRTWGRLT[Glu95Gly]DPRLKPWNGS

ClinVar aggregate classification (germline): Likely benign (1 of 4 stars; one submission).

gnomAD v4.1: 4,804 of 1,608,142 alleles (0.3%); highest among the groups gnomAD compares: Non-Finnish European, 0.33%; 19 homozygotes.

Submission:

CeGaT Center for Human Genetics Tuebingen
Classification: Likely benign. Last evaluated: 2025-07-01. Review status: criteria provided, single submitter. Criteria: CeGaT Center For Human Genetics Tuebingen Variant Classification Criteria Version 2. Collection method: clinical testing. Allele origin: germline. Affected: yes. Observed: 1 variant allele.
Comment: MGAT4B: BP4, BS1